The following is an entry in ClinVar:

ClinVar aggregate classification (germline): Uncertain significance (1 of 4 stars; one submission).

Conditions:
Hereditary breast ovarian cancer syndrome. Also called: Hereditary breast and/or ovarian cancer syndrome; BRCA1- and BRCA2-Associated Hereditary Breast and Ovarian Cancer; Hereditary breast and ovarian cancer syndrome; Hereditary breast and ovarian cancer; Hereditary breast and ovarian cancer syndrome (HBOC); Breast and ovarian cancer. Identifiers: Orphanet 145, MedGen C0677776, MeSH D061325, MONDO:0003582. Disease mechanism: loss of function.

Submissions (2):

Labcorp Genetics (formerly Invitae), Labcorp
Classification: Uncertain significance for Hereditary breast ovarian cancer syndrome. Last evaluated: 2026-01-19. Review status: criteria provided, single submitter. Criteria: Invitae Variant Classification Sherloc (09022015). Collection method: clinical testing. Allele origin: germline.
Comment: This sequence change replaces threonine, which is neutral and polar, with isoleucine, which is neutral and non-polar, at codon 1643 of the BRCA1 protein (p.Thr1643Ile). This variant is not present in population databases (gnomAD no frequency). This variant has not been reported in the literature in individuals affected with BRCA1-related conditions. ClinVar contains an entry for this variant (Variation ID: 865429). Invitae Evidence Modeling incorporating data from in vitro experimental studies (PMID: 30209399) indicates that this missense variant is not expected to disrupt BRCA1 function with a negative predictive value of 95%. In summary, the available evidence is currently insufficient to determine the role of this variant in disease. Therefore, it has been classified as a Variant of Uncertain Significance.

Brotman Baty Institute, University of Washington
No classification provided (evidence only). Condition: Breast-ovarian cancer, familial 1. Review status: no classification provided. Collection method: in vitro. Allele origin: not applicable. Functional consequence: functionally_normal. Not counted in ClinVar's aggregate classification.
ClinVar note: "not provided" was previously submitted as the classification for the variant. However, the classification appeared to be based only on an observation of functional data so it was converted to no classification on 2025-07-30.

Literature cited by the submitters: PubMed 30209399 (cited by Labcorp Genetics (formerly Invitae), Labcorp).

NM_007294.4(BRCA1):c.4928C>T (p.Thr1643Ile)

Gene: BRCA1 (BRCA1 DNA repair associated; minus strand). Cytogenetic location: 17q21.31.
Variant type: single nucleotide variant.
Coding change: c.4928C>T on transcript NM_007294.4 (MANE Select); coding-DNA position 4928, C replaced by T.
Protein change: p.Thr1643Ile; replaces threonine 1643 with isoleucine.
Molecular consequence: missense variant. On other transcripts: non-coding transcript variant (1).
Genome position (GRCh38, 1-based): chr17:43,070,986, G>A on the plus strand (C>T on the coding strand, the complement: BRCA1 is on the minus strand). VCF-style: chr17-43070986-G-A. GRCh37 (hg19) VCF-style: chr17-41223003-G-A.
Other names: c.4715C>T, p.Thr1572Ile (NM_001407571.1, NM_001407904.1, NM_001407906.1 and 12 more transcripts); c.4994C>T, p.Thr1665Ile (NM_001407581.1, NM_001407582.1); c.4991C>T, p.Thr1664Ile (NM_001407583.1, NM_001407585.1, NM_001407587.1 and 1 more transcripts); c.4988C>T, p.Thr1663Ile (NM_001407590.1, NM_001407591.1); c.4928C>T, p.Thr1643Ile (NM_001407593.1, NM_001407594.1, NM_001407596.1 and 8 more transcripts); c.4925C>T, p.Thr1642Ile (NM_001407610.1, NM_001407611.1, NM_001407612.1 and 17 more transcripts); c.4922C>T, p.Thr1641Ile (NM_001407631.1, NM_001407632.1, NM_001407633.1 and 14 more transcripts); c.4850C>T, p.Thr1617Ile (NM_001407653.1, NM_001407654.1, NM_001407655.1); and 70 more; short protein forms T1596I, T539I, T1643I, T1664I, T1347I, T1553I, T1554I, T1572I.
Identifiers: ClinVar variation 865429 (VCV000865429.4), dbSNP rs2052375394, ClinGen allele CA10591664.